The following is an entry in ClinVar:

ClinVar aggregate classification (germline): Uncertain significance (1 of 4 stars; one submission).

Allele frequency attached by ClinVar (database versions not stated): ExAC 0.00001; TOPMed 0.00001.
gnomAD v4.1: 4 of 1,613,028 alleles (0.00025%); highest among the groups gnomAD compares: Admixed American, 0.0017%; no homozygotes.

Submission:

Labcorp Genetics (formerly Invitae), Labcorp
Classification: Uncertain significance. Last evaluated: 2022-06-13. Review status: criteria provided, single submitter. Criteria: Invitae Variant Classification Sherloc (09022015). Collection method: clinical testing. Allele origin: germline.
Comment: In summary, the available evidence is currently insufficient to determine the role of this variant in disease. Therefore, it has been classified as a Variant of Uncertain Significance. Variants that disrupt the consensus splice site are a relatively common cause of aberrant splicing (PMID: 17576681, 9536098). Algorithms developed to predict the effect of sequence changes on RNA splicing suggest that this variant may disrupt the consensus splice site. This variant has not been reported in the literature in individuals affected with LTBP4-related conditions. This variant is present in population databases (rs765293001, gnomAD 0.003%). This sequence change affects codon 1012 of the LTBP4 mRNA. It is a 'silent' change, meaning that it does not change the encoded amino acid sequence of the LTBP4 protein. This variant also falls at the last nucleotide of exon 23, which is part of the consensus splice site for this exon.

Literature cited by the submitters: PubMed 17576681; PubMed 9536098.

NM_001042545.2(LTBP4):c.2944G>T (p.Asp982Tyr)

Gene: LTBP4 (latent transforming growth factor beta binding protein 4; plus strand). Cytogenetic location: 19q13.2.
Variant type: single nucleotide variant.
Coding change: c.2944G>T on transcript NM_001042545.2 (MANE Select); coding-DNA position 2944, G replaced by T.
Protein change: p.Asp982Tyr; replaces aspartic acid 982 with tyrosine.
Molecular consequence: missense variant.
Genome position (GRCh38, 1-based): chr19:40,617,020, G>T. VCF-style: chr19-40617020-G-T. GRCh37 (hg19) VCF-style: chr19-41122926-G-T.
Other names: c.3145G>T, p.Asp1049Tyr (NM_001042544.1); c.3034G>T, p.Asp1012Tyr (NM_003573.2); short protein forms D1012Y, D982Y, D1049Y.
Identifiers: ClinVar variation 1946601 (VCV001946601.5), dbSNP rs765293001, ClinGen allele CA9448830.